The following is an entry in ClinVar:

NM_003119.4(SPG7):c.619-3C>T

Gene: SPG7 (SPG7 matrix AAA peptidase subunit, paraplegin; plus strand). Cytogenetic location: 16q24.3.
Variant type: single nucleotide variant.
Coding change: c.619-3C>T on transcript NM_003119.4 (MANE Select); 3 bases into the intron before coding-DNA position 619, C replaced by T.
Molecular consequence: intron variant.
Genome position (GRCh38, 1-based): chr16:89,526,326, C>T. VCF-style: chr16-89526326-C-T. GRCh37 (hg19) VCF-style: chr16-89592734-C-T.
Other names: c.619-3C>T (NM_001363850.1, NM_199367.3).
Identifiers: ClinVar variation 2229457 (VCV002229457.2), dbSNP rs199740629, ClinGen allele CA8243725.
Genomic context (GRCh38, chr16:89,526,326, plus strand): 5'-GACTGTAGGGTTGCTCGTCTGTCCCTGCGTTTCTCATGGTCCCCTCTCCTTTCTGCCCCC[C>T]AGCGGCTAGCCTTGATGTACCGAATGCAGGTTGCAAATATTGACAAGTTTGAAGAGAAGC-3'

ClinVar aggregate classification (germline): Uncertain significance (1 of 4 stars; one submission).

Conditions:
Inborn genetic diseases. Identifiers: MedGen C0950123, MeSH D030342.

Allele frequency attached by ClinVar (database versions not stated): 1000 Genomes Project 30x 0.00016; 1000 Genomes Project 0.00020.
gnomAD v4.1: 50 of 1,614,070 alleles (0.0031%); highest among the groups gnomAD compares: African/African-American, 0.011%; no homozygotes.

Submission:

Ambry Genetics
Classification: Uncertain significance for Inborn genetic diseases. Last evaluated: 2021-03-03. Review status: criteria provided, single submitter. Criteria: Ambry Variant Classification Scheme 2023. Collection method: clinical testing. Allele origin: germline.
Comment: The c.619-3C>T intronic alteration consists of a C to T substitution 3 nucleotides before exon 5 in the SPG7 gene. In silico splice site analysis predicts that this alteration will not have any significant effect on splicing. Based on insufficient or conflicting evidence, the clinical significance of this alteration remains unclear.